The following is an entry in ClinVar:

ClinVar aggregate classification (germline): Pathogenic/Likely pathogenic. Review status: criteria provided, multiple submitters, no conflicts (2 of 4 stars). 4 submissions from 4 submitters: Pathogenic (1); Likely pathogenic (3). Last evaluated 2025-05-06.

Conditions:
Lessel-Kreienkamp syndrome. Identifiers: MedGen C5436892, MONDO:0030897, OMIM 619149.

Allele frequency attached by ClinVar (database versions not stated): TOPMed below 0.00001.

Submissions (4):

GeneDx
Classification: Likely pathogenic. Last evaluated: 2025-05-06. Review status: criteria provided, single submitter. Criteria: GeneDx Variant Classification Process June 2021. Collection method: clinical testing. Allele origin: germline.
Comment: De novo variant with confirmed parentage in one patient from a cohort of patients with developmental disorders who underwent exome sequencing; however, detailed clinical information was not provided and this patient also possessed additional de novo variants in other genes (PMID: 33057194); Not observed at significant frequency in large population cohorts (gnomAD); In silico analysis supports that this missense variant has a deleterious effect on protein structure/function; This variant is associated with the following publications: (PMID: 35982159, 33057194)

3billion
Classification: Likely pathogenic for Lessel-Kreienkamp syndrome. Last evaluated: 2025-04-17. Review status: criteria provided, single submitter. Criteria: ACMG Guidelines, 2015. Collection method: clinical testing. Allele origin: germline. Affected: yes.

Institute of Human Genetics Munich, TUM University Hospital
Classification: Pathogenic for Lessel-Kreienkamp syndrome. Last evaluated: 2025-01-20. Review status: criteria provided, single submitter. Criteria: Classification criteria August 2017. Collection method: clinical testing. Allele origin: de novo. Inheritance: Autosomal dominant inheritance. Affected: yes. Observed: 1 variant allele.

Illumina Laboratory Services, Illumina
Classification: Likely pathogenic for Lessel-Kreienkamp syndrome. Last evaluated: 2021-08-20. Review status: criteria provided, single submitter. Criteria: ICSLVariantClassificationCriteria RUGD 01 April 2020. Collection method: clinical testing. Allele origin: unknown.
Comment: The AGO2 c.1810G>A (p.Gly604Arg) variant is a missense variant in a gene where missense variants appear to be a common mechanism of disease (Lessel et al. 2020). A literature search was performed for the gene, cDNA change, and amino acid change. No publications were found based on this search. This variant is not found in version 2.1.1 or version 3.1.1 of the Genome Aggregation Database despite its location in a region of good sequencing coverage, which suggests the variant is rare. This variant was identified in a de novo state. Based on the available evidence, the p.Gly604Arg variant is classified as likely pathogenic for Lessel-Kreienkamp syndrome.

Literature cited by the submitters: PubMed 33199684 (cited by Illumina Laboratory Services, Illumina).

NM_012154.5(AGO2):c.1810G>A (p.Gly604Arg)

Gene: AGO2 (argonaute RISC catalytic component 2; minus strand). Cytogenetic location: 8q24.3.
Variant type: single nucleotide variant.
Coding change: c.1810G>A on transcript NM_012154.5 (MANE Select); coding-DNA position 1810, G replaced by A.
Protein change: p.Gly604Arg; replaces glycine 604 with arginine.
Molecular consequence: missense variant.
Genome position (GRCh38, 1-based): chr8:140,544,242, C>T on the plus strand (G>A on the coding strand, the complement: AGO2 is on the minus strand). VCF-style: chr8-140544242-C-T. GRCh37 (hg19) VCF-style: chr8-141554341-C-T.
Other names: c.1810G>A (NM_012154.3); c.1810G>A, p.Gly604Arg (NM_001164623.3); short protein forms G604R.
Identifiers: ClinVar variation 1328183 (VCV001328183.12), dbSNP rs1564077207, ClinGen allele CA372333805.